The following is an entry in ClinVar:

ClinVar aggregate classification (germline): Uncertain significance. Review status: criteria provided, multiple submitters, no conflicts (2 of 4 stars). 3 submissions from 3 submitters: Uncertain significance (3). Last evaluated 2025-08-11.

Conditions:
Inborn genetic diseases. Identifiers: MedGen C0950123, MeSH D030342.
Gaucher disease due to saposin C deficiency. Also called: Saposin C Deficiency; Atypical Gaucher disease due to saposin C deficiency. Identifiers: Orphanet 309252, Orphanet 355, MedGen C1864651, MONDO:0012517, OMIM 610539.
Sphingolipid activator protein 1 deficiency. Also called: METACHROMATIC LEUKODYSTROPHY DUE TO CEREBROSIDE SULFATASE ACTIVATOR DEFICIENCY; Metachromatic leukodystrophy due to saposin B deficiency; Saposin B Deficiency. Identifiers: Orphanet 512, MedGen C0268262, MONDO:0009590, OMIM 249900.
Parkinson disease 24, autosomal dominant, susceptibility to. Identifiers: MedGen C5561969, MONDO:0859183, OMIM 619491.
Combined PSAP deficiency (PSAPD). Also called: PROSAPOSIN DEFICIENCY; Encephalopathy due to prosaposin deficiency; COMBINED SAP DEFICIENCY. Identifiers: Orphanet 139406, MedGen C2673635, MONDO:0012719, OMIM 611721.
Krabbe disease due to saposin A deficiency. Also called: KRABBE DISEASE, ATYPICAL, DUE TO SAPOSIN A DEFICIENCY; Saposin A Deficiency. Identifiers: Orphanet 487, MedGen C2673266, MONDO:0012720, OMIM 611722.

Allele frequency attached by ClinVar (database versions not stated): TOPMed 0.00002; gnomAD 0.00006 and 0.00007; 1000 Genomes Project 0.00040; 1000 Genomes Project 30x 0.00047.
gnomAD v4.1: 36 of 1,614,196 alleles (0.0022%); highest among the groups gnomAD compares: Admixed American, 0.02%; no homozygotes.

Submissions (3):

Ambry Genetics
Classification: Uncertain significance for Inborn genetic diseases. Last evaluated: 2025-08-11. Review status: criteria provided, single submitter. Criteria: Ambry Variant Classification Scheme 2023. Collection method: clinical testing. Allele origin: germline.

Labcorp Genetics (formerly Invitae), Labcorp
Classification: Uncertain significance for Sphingolipid activator protein 1 deficiency. Last evaluated: 2022-08-20. Review status: criteria provided, single submitter. Criteria: Invitae Variant Classification Sherloc (09022015). Collection method: clinical testing. Allele origin: germline.
Comment: This sequence change replaces arginine, which is basic and polar, with histidine, which is basic and polar, at codon 232 of the PSAP protein (p.Arg232His). This variant is present in population databases (rs147265566, gnomAD 0.01%). This variant has not been reported in the literature in individuals affected with PSAP-related conditions. ClinVar contains an entry for this variant (Variation ID: 1479808). Algorithms developed to predict the effect of missense changes on protein structure and function output the following: SIFT: "Not Available"; PolyPhen-2: "Benign"; Align-GVGD: "Not Available". The histidine amino acid residue is found in multiple mammalian species, which suggests that this missense change does not adversely affect protein function. In summary, the available evidence is currently insufficient to determine the role of this variant in disease. Therefore, it has been classified as a Variant of Uncertain Significance.

Fulgent Genetics
Classification: Uncertain significance for Sphingolipid activator protein 1 deficiency; Gaucher disease due to saposin C deficiency; Combined PSAP deficiency; Krabbe disease due to saposin A deficiency; Parkinson disease 24, autosomal dominant, susceptibility to. Last evaluated: 2021-11-08. Review status: criteria provided, single submitter. Criteria: ACMG Guidelines, 2015. Collection method: clinical testing. Allele origin: unknown.

NM_002778.4(PSAP):c.695G>A (p.Arg232His)

Gene: PSAP (prosaposin; minus strand). Cytogenetic location: 10q22.1.
Variant type: single nucleotide variant.
Coding change: c.695G>A on transcript NM_002778.4 (MANE Select); coding-DNA position 695, G replaced by A.
Protein change: p.Arg232His; replaces arginine 232 with histidine.
Molecular consequence: missense variant.
Genome position (GRCh38, 1-based): chr10:71,828,039, C>T on the plus strand (G>A on the coding strand, the complement: PSAP is on the minus strand). VCF-style: chr10-71828039-C-T. GRCh37 (hg19) VCF-style: chr10-73587796-C-T.
Other names: c.695G>A (NM_002778.2); c.695G>A, p.Arg232His (NM_001042465.3, NM_001042466.3); short protein forms R232H.
Identifiers: ClinVar variation 1479808 (VCV001479808.7), dbSNP rs147265566, ClinGen allele CA5547697.